The following is an entry in ClinVar:

ClinVar aggregate classification (germline): Likely benign (1 of 4 stars; one submission).

Allele frequency attached by ClinVar (database versions not stated): gnomAD 0.00001; gnomAD exomes 0.00002; TOPMed 0.00002; ExAC 0.00003.

Submission:

CeGaT Center for Human Genetics Tuebingen
Classification: Likely benign. Last evaluated: 2022-07-01. Review status: criteria provided, single submitter. Criteria: CeGaT Center For Human Genetics Tuebingen Variant Classification Criteria Version 2. Collection method: clinical testing. Allele origin: germline. Affected: yes. Observed: 1 variant allele.
Comment: MPO: BP4, BP7

NM_000250.2(MPO):c.696C>T (p.Asn232=)

Gene: MPO (myeloperoxidase; minus strand). Cytogenetic location: 17q22.
Variant type: single nucleotide variant.
Coding change: c.696C>T on transcript NM_000250.2 (MANE Select); coding-DNA position 696, C replaced by T.
Protein change: p.Asn232=; no amino-acid change (asparagine 232 retained).
Molecular consequence: synonymous variant.
Genome position (GRCh38, 1-based): chr17:58,279,197, G>A on the plus strand (C>T on the coding strand, the complement: MPO is on the minus strand). VCF-style: chr17-58279197-G-A. GRCh37 (hg19) VCF-style: chr17-56356558-G-A.
Identifiers: ClinVar variation 2647956 (VCV002647956.24), dbSNP rs749120180, ClinGen allele CA8670865.